The following is an entry in ClinVar:

ClinVar aggregate classification (germline): Conflicting classifications of pathogenicity. Review status: criteria provided, conflicting classifications (1 of 4 stars). 2 submissions from 2 submitters: Likely pathogenic (1); Uncertain significance (1). Last evaluated 2022-07-24.

Conditions:
USH2A-related disorder. Also called: USH2A-related condition; USH2A-related disorders. Identifiers: MedGen CN239332.

Submissions (2):

Labcorp Genetics (formerly Invitae), Labcorp
Classification: Uncertain significance. Last evaluated: 2022-07-24. Review status: criteria provided, single submitter. Criteria: Invitae Variant Classification Sherloc (09022015). Collection method: clinical testing. Allele origin: germline.
Comment: This variant is not present in population databases (gnomAD no frequency). This sequence change replaces cysteine, which is neutral and slightly polar, with arginine, which is basic and polar, at codon 817 of the USH2A protein (p.Cys817Arg). This variant has not been reported in the literature in individuals affected with USH2A-related conditions. Algorithms developed to predict the effect of missense changes on protein structure and function output the following: SIFT: "Deleterious"; PolyPhen-2: "Probably Damaging"; Align-GVGD: "Class C65". The arginine amino acid residue is found in multiple mammalian species, which suggests that this missense change does not adversely affect protein function. In summary, the available evidence is currently insufficient to determine the role of this variant in disease. Therefore, it has been classified as a Variant of Uncertain Significance.

Blueprint Genetics
Classification: Likely pathogenic for USH2A-related disorders. Last evaluated: 2021-06-18. Review status: criteria provided, single submitter. Criteria: ACMG Guidelines, 2015. Collection method: clinical testing. Allele origin: germline. Affected: yes. Observed: 1 variant allele.

NM_206933.4(USH2A):c.2449T>C (p.Cys817Arg)

Genes: USH2A (usherin; minus strand), LOC122152296 (Sharpr-MPRA regulatory region 8762; plus strand). Cytogenetic location: 1q41.
Variant type: single nucleotide variant.
Coding change: c.2449T>C on transcript NM_206933.4 (MANE Select); coding-DNA position 2449, T replaced by C.
Protein change: p.Cys817Arg; replaces cysteine 817 with arginine.
Molecular consequence: missense variant.
Genome position (GRCh38, 1-based): chr1:216,246,945, A>G on the plus strand (T>C on the coding strand, the complement: USH2A is on the minus strand). VCF-style: chr1-216246945-A-G. GRCh37 (hg19) VCF-style: chr1-216420287-A-G.
Other names: c.2449T>C, p.Cys817Arg (NM_007123.6); short protein forms C817R.
Identifiers: ClinVar variation 2118133 (VCV002118133.6), dbSNP rs2528162715, ClinGen allele CA344864777.